The following is an entry in ClinVar:

NM_000532.5(PCCB):c.139C>A (p.Leu47Met)

Gene: PCCB (propionyl-CoA carboxylase subunit beta; plus strand). Cytogenetic location: 3q22.3.
Variant type: single nucleotide variant.
Coding change: c.139C>A on transcript NM_000532.5 (MANE Select); coding-DNA position 139, C replaced by A.
Protein change: p.Leu47Met; replaces leucine 47 with methionine.
Molecular consequence: missense variant.
Genome position (GRCh38, 1-based): chr3:136,250,514, C>A. VCF-style: chr3-136250514-C-A. GRCh37 (hg19) VCF-style: chr3-135969356-C-A.
Other names: c.139C>A, p.Leu47Met (NM_001178014.2); short protein forms L47M.
Identifiers: ClinVar variation 2087246 (VCV002087246.4), dbSNP rs199935380, ClinGen allele CA354738065.

ClinVar aggregate classification (germline): Uncertain significance (1 of 4 stars; one submission).

Conditions:
Propionic acidemia (PROP). Also called: GLYCINEMIA, KETOTIC; HYPERGLYCINEMIA WITH KETOACIDOSIS AND LEUKOPENIA; KETOTIC HYPERGLYCINEMIA. Identifiers: Orphanet 35, MedGen C0268579, MONDO:0011628, OMIM 606054, HP:0003571.

Submission:

Labcorp Genetics (formerly Invitae), Labcorp
Classification: Uncertain significance for Propionic acidemia. Last evaluated: 2022-01-28. Review status: criteria provided, single submitter. Criteria: Invitae Variant Classification Sherloc (09022015). Collection method: clinical testing. Allele origin: germline.
Comment: This sequence change replaces leucine, which is neutral and non-polar, with methionine, which is neutral and non-polar, at codon 47 of the PCCB protein (p.Leu47Met). This variant is not present in population databases (gnomAD no frequency). This variant has not been reported in the literature in individuals affected with PCCB-related conditions. Advanced modeling of protein sequence and biophysical properties (such as structural, functional, and spatial information, amino acid conservation, physicochemical variation, residue mobility, and thermodynamic stability) performed at Invitae indicates that this missense variant is not expected to disrupt PCCB protein function. In summary, the available evidence is currently insufficient to determine the role of this variant in disease. Therefore, it has been classified as a Variant of Uncertain Significance.